The following is an entry in ClinVar:

NM_001792.5(CDH2):c.1569C>A (p.Asp523Glu)

Gene: CDH2 (cadherin 2; minus strand). Cytogenetic location: 18q12.1.
Variant type: single nucleotide variant.
Coding change: c.1569C>A on transcript NM_001792.5 (MANE Select); coding-DNA position 1569, C replaced by A.
Protein change: p.Asp523Glu; replaces aspartic acid 523 with glutamic acid.
Molecular consequence: missense variant.
Genome position (GRCh38, 1-based): chr18:27,990,126, G>T on the plus strand (C>A on the coding strand, the complement: CDH2 is on the minus strand). VCF-style: chr18-27990126-G-T. GRCh37 (hg19) VCF-style: chr18-25570090-G-T.
Other names: c.1476C>A, p.Asp492Glu (NM_001308176.2); short protein forms D492E, D523E.
Identifiers: ClinVar variation 4223780 (VCV004223780.1).

ClinVar aggregate classification (germline): Uncertain significance (1 of 4 stars; one submission).

Conditions:
Inborn genetic diseases. Identifiers: MedGen C0950123, MeSH D030342.

Submission:

Ambry Genetics
Classification: Uncertain significance for Inborn genetic diseases. Last evaluated: 2025-09-07. Review status: criteria provided, single submitter. Criteria: Ambry Variant Classification Scheme 2023. Collection method: clinical testing. Allele origin: germline.
Comment: The p.D523E variant (also known as c.1569C>A), located in coding exon 10 of the CDH2 gene, results from a C to A substitution at nucleotide position 1569. The aspartic acid at codon 523 is replaced by glutamic acid, an amino acid with highly similar properties. This amino acid position is conserved. In addition, this alteration is predicted to be deleterious by in silico analysis. Based on the available evidence, the clinical significance of this variant remains unclear.